The following is an entry in ClinVar:

NM_020297.4(ABCC9):c.1214T>C (p.Met405Thr)

Gene: ABCC9 (ATP binding cassette subfamily C member 9; minus strand). Cytogenetic location: 12p12.1.
Variant type: single nucleotide variant.
Coding change: c.1214T>C on transcript NM_020297.4 (MANE Select); coding-DNA position 1214, T replaced by C.
Protein change: p.Met405Thr; replaces methionine 405 with threonine.
Molecular consequence: missense variant.
Genome position (GRCh38, 1-based): chr12:21,910,263, A>G on the plus strand (T>C on the coding strand, the complement: ABCC9 is on the minus strand). VCF-style: chr12-21910263-A-G. GRCh37 (hg19) VCF-style: chr12-22063197-A-G.
Other names: c.1214T>C, p.Met405Thr (NM_001377273.1, NM_005691.4); c.350T>C, p.Met117Thr (NM_001377274.1); short protein forms M117T, M405T.
Identifiers: ClinVar variation 4860367 (VCV004860367.1).

ClinVar aggregate classification (germline): Uncertain significance (1 of 4 stars; one submission).

Conditions:
Cardiovascular phenotype. Identifiers: MedGen CN230736.

Submission:

Ambry Genetics
Classification: Uncertain significance for Cardiovascular phenotype. Last evaluated: 2026-03-23. Review status: criteria provided, single submitter. Criteria: Ambry Variant Classification Scheme 2023. Collection method: clinical testing. Allele origin: germline.
Comment: The p.M405T variant (also known as c.1214T>C), located in coding exon 8 of the ABCC9 gene, results from a T to C substitution at nucleotide position 1214. The methionine at codon 405 is replaced by threonine, an amino acid with similar properties. This amino acid position is conserved. In addition, the in silico prediction for this alteration is inconclusive. Based on the available evidence, the clinical significance of this variant remains unclear.